The following is an entry in ClinVar:

ClinVar aggregate classification (germline): Uncertain significance (1 of 4 stars; one submission).

Conditions:
Primary ciliary dyskinesia. Also called: Ciliary dyskinesia. Identifiers: Orphanet 244, MedGen C0008780, MONDO:0016575, HP:0012265.

Submission:

Labcorp Genetics (formerly Invitae), Labcorp
Classification: Uncertain significance for Primary ciliary dyskinesia. Last evaluated: 2021-12-13. Review status: criteria provided, single submitter. Criteria: Invitae Variant Classification Sherloc (09022015). Collection method: clinical testing. Allele origin: germline.
Comment: In summary, the available evidence is currently insufficient to determine the role of this variant in disease. Therefore, it has been classified as a Variant of Uncertain Significance. Algorithms developed to predict the effect of missense changes on protein structure and function are either unavailable or do not agree on the potential impact of this missense change (SIFT: "Tolerated"; PolyPhen-2: "Possibly Damaging"; Align-GVGD: "Class C0"). This variant has not been reported in the literature in individuals affected with CCDC39-related conditions. This variant is not present in population databases (gnomAD no frequency). This sequence change replaces isoleucine, which is neutral and non-polar, with valine, which is neutral and non-polar, at codon 241 of the CCDC39 protein (p.Ile241Val).

NM_181426.2(CCDC39):c.721A>G (p.Ile241Val)

Gene: CCDC39 (coiled-coil domain 39 molecular ruler complex subunit; minus strand). Cytogenetic location: 3q26.33.
Variant type: single nucleotide variant.
Coding change: c.721A>G on transcript NM_181426.2 (MANE Select); coding-DNA position 721, A replaced by G.
Protein change: p.Ile241Val; replaces isoleucine 241 with valine.
Molecular consequence: missense variant.
Genome position (GRCh38, 1-based): chr3:180,659,469, T>C on the plus strand (A>G on the coding strand, the complement: CCDC39 is on the minus strand). VCF-style: chr3-180659469-T-C. GRCh37 (hg19) VCF-style: chr3-180377257-T-C.
Other names: short protein forms I241V.
Identifiers: ClinVar variation 2066238 (VCV002066238.4), dbSNP rs1711684068, ClinGen allele CA355301917.
Genomic context (GRCh38, chr3:180,659,469, plus strand): 5'-ACAAATGCAGCTGAACATTACAAGGACCAAACAACTACTTTACCAAAGCACAGTTATCTA[T>C]GTCTCCATCCCTCTTCTGCATCTGTTCTATTGTGTTCTCCCATTGTTTAATGAGTTCTTG-3'
Protein context (NP_852091.1, residues 231-251): IEQMQKRDGD[Ile241Val]DNCALELARI